The following is an entry in ClinVar:

ClinVar aggregate classification (germline): Uncertain significance (1 of 4 stars; one submission).

Conditions:
Epidermolysis bullosa simplex with nail dystrophy (EBS5D). Identifiers: MedGen C4225309, MONDO:0014661, OMIM 616487.
Epidermolysis bullosa simplex, Ogna type (EBS5A). Also called: EPIDERMOLYSIS BULLOSA SIMPLEX 5A, OGNA TYPE; Pidermolysis bullosa simplex 5A, Ogna type. Identifiers: Orphanet 79401, MedGen C0432317, MONDO:0007555, OMIM 131950.
Autosomal recessive limb-girdle muscular dystrophy type 2Q (LGMDR17). Also called: MUSCULAR DYSTROPHY, LIMB-GIRDLE, AUTOSOMAL RECESSIVE 17. Identifiers: Orphanet 254361, MedGen C3150989, MONDO:0013390, OMIM 613723.
Epidermolysis bullosa simplex 5B, with muscular dystrophy (EBS5B). Also called: EPIDERMOLYSIS BULLOSA SIMPLEX AND LIMB-GIRDLE MUSCULAR DYSTROPHY; Epidermolysis bullosa simplex with muscular dystrophy. Identifiers: Orphanet 257, MedGen C2931072, MONDO:0009181, OMIM 226670.
Epidermolysis bullosa simplex 5C, with pyloric atresia (EBS5C). Also called: PLEC-Related Epidermolysis Bullosa with Pyloric Atresia; Epidermolysis bullosa simplex with pyloric atresia; PLEC1-Related Epidermolysis Bullosa with Pyloric Atresia. Identifiers: Orphanet 158684, MedGen C2677349, MONDO:0012807, OMIM 612138.

Submission:

Labcorp Genetics (formerly Invitae), Labcorp
Classification: Uncertain significance for Autosomal recessive limb-girdle muscular dystrophy type 2Q; Epidermolysis bullosa simplex, Ogna type; Epidermolysis bullosa simplex with nail dystrophy; Epidermolysis bullosa simplex 5C, with pyloric atresia; Epidermolysis bullosa simplex 5B, with muscular dystrophy. Last evaluated: 2025-10-19. Review status: criteria provided, single submitter. Criteria: Invitae Variant Classification Sherloc (09022015). Collection method: clinical testing. Allele origin: germline.
Comment: This variant, c.4349_4357del, results in the deletion of 3 amino acid(s) of the PLEC protein (p.Gln1450_Leu1452del), but otherwise preserves the integrity of the reading frame. This variant is present in population databases (no rsID available, gnomAD 0.006%). This variant has not been reported in the literature in individuals affected with PLEC-related conditions. Experimental studies and prediction algorithms are not available or were not evaluated, and the functional significance of this variant is currently unknown. In summary, the available evidence is currently insufficient to determine the role of this variant in disease. Therefore, it has been classified as a Variant of Uncertain Significance.

NM_201384.3(PLEC):c.4268_4276del (p.Gln1423_Leu1425del)

Gene: PLEC (plectin; minus strand). Cytogenetic location: 8q24.3.
Variant type: Deletion.
Coding change: c.4268_4276del on transcript NM_201384.3 (MANE Select); coding-DNA positions 4268 to 4276, 9 bases deleted (AGCAGCTGC; older notation c.4268_4276delAGCAGCTGC).
Protein change: p.Gln1423_Leu1425del.
Molecular consequence: intron variant (on NM_001410941.1).
Genome position (GRCh38, 1-based): chr8:143,925,653-143,925,661, GCAGCTGCT deleted on the plus strand (AGCAGCTGC on the coding strand, the reverse complement: PLEC is on the minus strand); deleting any 9 consecutive bases within chr8:143,925,653-143,925,667 gives the same sequence; the c. name uses the placement nearest the transcript's 3' end. VCF-style (leftmost placement, unchanged base first): chr8-143925652-CGCAGCTGCT-C. GRCh37 (hg19) VCF-style: chr8-144999820-CGCAGCTGCT-C.
Other names: c.4349_4357del, p.Gln1450_Leu1452del (NM_000445.5); c.4226_4234del, p.Gln1409_Leu1411del (NM_201378.4); c.4202_4210del, p.Gln1401_Leu1403del (NM_201379.3); c.4679_4687del, p.Gln1560_Leu1562del (NM_201380.4); c.4172_4180del, p.Gln1391_Leu1393del (NM_201381.3); c.4268_4276del, p.Gln1423_Leu1425del (NM_201382.4); c.4280_4288del, p.Gln1427_Leu1429del (NM_201383.3); c.4125+1123_4125+1131del (NM_001410941.1).
Identifiers: ClinVar variation 4788545 (VCV004788545.1).